The following is an entry in ClinVar:

NM_001197104.2(KMT2A):c.11257C>A (p.Pro3753Thr)

Genes: KMT2A (lysine methyltransferase 2A; plus strand), TTC36-AS1 (TTC36 and KMT2A antisense RNA 1; minus strand). Cytogenetic location: 11q23.3.
Variant type: single nucleotide variant.
Coding change: c.11257C>A on transcript NM_001197104.2 (MANE Select); coding-DNA position 11257, C replaced by A.
Protein change: p.Pro3753Thr; replaces proline 3753 with threonine.
Molecular consequence: missense variant.
Genome position (GRCh38, 1-based): chr11:118,519,728, C>A. VCF-style: chr11-118519728-C-A. GRCh37 (hg19) VCF-style: chr11-118390443-C-A.
Other names: c.11347C>A, p.Pro3783Thr (NM_001412597.1); c.11248C>A, p.Pro3750Thr (NM_005933.4); short protein forms P3750T, P3753T, P3783T.
Identifiers: ClinVar variation 2800693 (VCV002800693.3), dbSNP rs2135283177, ClinGen allele CA382832916.

ClinVar aggregate classification (germline): Uncertain significance (1 of 4 stars; one submission).

Allele frequency attached by ClinVar (database versions not stated): gnomAD exomes below 0.00001.
gnomAD v4.1: 1 of 1,614,144 alleles (0.000062%); highest among the groups gnomAD compares: Non-Finnish European, 0.000085%; no homozygotes.

Submission:

Labcorp Genetics (formerly Invitae), Labcorp
Classification: Uncertain significance. Last evaluated: 2023-02-14. Review status: criteria provided, single submitter. Criteria: Invitae Variant Classification Sherloc (09022015). Collection method: clinical testing. Allele origin: germline.
Comment: In summary, the available evidence is currently insufficient to determine the role of this variant in disease. Therefore, it has been classified as a Variant of Uncertain Significance. Advanced modeling of protein sequence and biophysical properties (such as structural, functional, and spatial information, amino acid conservation, physicochemical variation, residue mobility, and thermodynamic stability) performed at Invitae indicates that this missense variant is not expected to disrupt KMT2A protein function. This variant has not been reported in the literature in individuals affected with KMT2A-related conditions. This variant is not present in population databases (gnomAD no frequency). This sequence change replaces proline, which is neutral and non-polar, with threonine, which is neutral and polar, at codon 3753 of the KMT2A protein (p.Pro3753Thr).